The following is an entry in ClinVar:

NM_024548.4(CEP97):c.829A>T (p.Thr277Ser)

Gene: CEP97 (centrosomal protein 97; plus strand). Cytogenetic location: 3q12.3.
Variant type: single nucleotide variant.
Coding change: c.829A>T on transcript NM_024548.4 (MANE Select); coding-DNA position 829, A replaced by T.
Protein change: p.Thr277Ser; replaces threonine 277 with serine.
Molecular consequence: missense variant.
Genome position (GRCh38, 1-based): chr3:101,755,530, A>T. VCF-style: chr3-101755530-A-T. GRCh37 (hg19) VCF-style: chr3-101474374-A-T.
Other names: c.829A>T, p.Thr277Ser (NM_001303401.2); c.727A>T, p.Thr243Ser (NM_001410784.1, NM_001410785.1); short protein forms T243S, T277S.
Identifiers: ClinVar variation 2964627 (VCV002964627.3), dbSNP rs776825736, ClinGen allele CA2522001.

ClinVar aggregate classification (germline): Uncertain significance (1 of 4 stars; one submission).

Allele frequency attached by ClinVar (database versions not stated): ExAC 0.00002; gnomAD 0.00003; TOPMed 0.00003.
gnomAD v4.1: 30 of 1,613,998 alleles (0.0019%); highest among the groups gnomAD compares: Non-Finnish European, 0.0024%; no homozygotes.

Submission:

Labcorp Genetics (formerly Invitae), Labcorp
Classification: Uncertain significance. Last evaluated: 2023-12-01. Review status: criteria provided, single submitter. Criteria: Invitae Variant Classification Sherloc (09022015). Collection method: clinical testing. Allele origin: germline.
Comment: This sequence change replaces threonine, which is neutral and polar, with serine, which is neutral and polar, at codon 277 of the CEP97 protein (p.Thr277Ser). This variant is present in population databases (rs776825736, gnomAD 0.005%). This variant has not been reported in the literature in individuals affected with CEP97-related conditions. Advanced modeling of protein sequence and biophysical properties (such as structural, functional, and spatial information, amino acid conservation, physicochemical variation, residue mobility, and thermodynamic stability) performed at Invitae indicates that this missense variant is not expected to disrupt CEP97 protein function with a negative predictive value of 80%. Algorithms developed to predict the effect of sequence changes on RNA splicing suggest that this variant may create or strengthen a splice site. In summary, the available evidence is currently insufficient to determine the role of this variant in disease. Therefore, it has been classified as a Variant of Uncertain Significance.